The following is an entry in ClinVar:

NM_153700.2(STRC):c.3922C>A (p.Gln1308Lys)

Gene: STRC (stereocilin; minus strand). Cytogenetic location: 15q15.3.
Variant type: single nucleotide variant.
Coding change: c.3922C>A on transcript NM_153700.2 (MANE Select); coding-DNA position 3922, C replaced by A.
Protein change: p.Gln1308Lys; replaces glutamine 1308 with lysine.
Molecular consequence: missense variant.
Genome position (GRCh38, 1-based): chr15:43,605,272, G>T on the plus strand (C>A on the coding strand, the complement: STRC is on the minus strand). VCF-style: chr15-43605272-G-T. GRCh37 (hg19) VCF-style: chr15-43897470-G-T.
Other names: short protein forms Q1308K.
Identifiers: ClinVar variation 2377298 (VCV002377298.3), dbSNP rs2085703668, ClinGen allele CA392169921.

ClinVar aggregate classification (germline): Uncertain significance. Review status: criteria provided, multiple submitters, no conflicts (2 of 4 stars). 2 submissions from 2 submitters: Uncertain significance (2). Last evaluated 2025-08-30.

Conditions:
Inborn genetic diseases. Identifiers: MedGen C0950123, MeSH D030342.
STRC-related disorder. Also called: STRC-related condition.

Submissions (2):

PreventionGenetics, part of Exact Sciences
Classification: Uncertain significance for STRC-related condition. Last evaluated: 2025-08-30. Review status: criteria provided, single submitter. Criteria: ACMG Guidelines, 2015. Collection method: clinical testing. Allele origin: germline.
Comment: The STRC c.3922C>A variant is predicted to result in the amino acid substitution p.Gln1308Lys. To our knowledge, this variant has not been reported in the literature or in a large population database (gnomAD), indicating this variant is rare. At this time, the clinical significance of this variant is uncertain due to the absence of conclusive functional and genetic evidence.

Ambry Genetics
Classification: Uncertain significance for Inborn genetic diseases. Last evaluated: 2022-10-27. Review status: criteria provided, single submitter. Criteria: Ambry Variant Classification Scheme 2023. Collection method: clinical testing. Allele origin: germline.